The following is an entry in ClinVar:

NM_170784.3(MKKS):c.1294A>T (p.Ile432Phe)

Gene: MKKS (MKKS centrosomal shuttling protein; minus strand). Cytogenetic location: 20p12.2.
Variant type: single nucleotide variant.
Coding change: c.1294A>T on transcript NM_170784.3 (MANE Select); coding-DNA position 1294, A replaced by T.
Protein change: p.Ile432Phe; replaces isoleucine 432 with phenylalanine.
Molecular consequence: missense variant. On other transcripts: non-coding transcript variant (1).
Genome position (GRCh38, 1-based): chr20:10,405,666, T>A on the plus strand (A>T on the coding strand, the complement: MKKS is on the minus strand). VCF-style: chr20-10405666-T-A. GRCh37 (hg19) VCF-style: chr20-10386314-T-A.
Other names: c.1294A>T, p.Ile432Phe (NM_018848.3); short protein forms I432F.
Identifiers: ClinVar variation 964478 (VCV000964478.9), dbSNP rs374485160, ClinGen allele CA9763501.
Genomic context (GRCh38, chr20:10,405,666, plus strand): 5'-TGCAAAATGCTTCAGCAATTAATTGAAGTTCTGTTTGAGTACATTCATCATCTTTGAGAA[T>A]GCTTTCTGGGTCGTTGTGAGTCTAAAGAGTAATAAAAACATTGAAAACACATACAAAGCA-3'
Protein context (NP_740754.1, residues 422-442): RHKTHNDPES[Ile432Phe]LKDDECTQTE

ClinVar aggregate classification (germline): Uncertain significance. Review status: criteria provided, multiple submitters, no conflicts (2 of 4 stars). 4 submissions from 4 submitters: Uncertain significance (3). 1 of the submissions does not count toward it. Last evaluated 2024-01-05.

Conditions:
McKusick-Kaufman syndrome (MKKS). Also called: HYDROMETROCOLPOS SYNDROME; HYDROMETROCOLPOS, POSTAXIAL POLYDACTYLY, AND CONGENITAL HEART MALFORMATION. Identifiers: Orphanet 2473, MedGen C0948368, MONDO:0009367, OMIM 236700.
Bardet-Biedl syndrome 6 (BBS6). Identifiers: Orphanet 110, MedGen C1858054, MONDO:0011523, OMIM 605231.
Bardet-Biedl syndrome (BBS). Identifiers: Orphanet 110, MedGen C0752166, MONDO:0015229.
MKKS-related disorder. Also called: MKKS-related condition; MKKS-related disorders.

Allele frequency attached by ClinVar (database versions not stated): ExAC 0.00004; gnomAD exomes 0.00004; TOPMed 0.00004; gnomAD 0.00007 and 0.00008; ESP Exome Variant Server 0.00015.
gnomAD v4.1: 129 of 1,613,984 alleles (0.008%); highest among the groups gnomAD compares: Non-Finnish European, 0.01%; no homozygotes.

Submissions (4):

Fulgent Genetics
Classification: Uncertain significance for McKusick-Kaufman syndrome; Bardet-Biedl syndrome 6. Last evaluated: 2024-01-05. Review status: criteria provided, single submitter. Criteria: ACMG Guidelines, 2015. Collection method: clinical testing. Allele origin: germline.

Labcorp Genetics (formerly Invitae), Labcorp
Classification: Uncertain significance for McKusick-Kaufman syndrome; Bardet-Biedl syndrome. Last evaluated: 2022-02-10. Review status: criteria provided, single submitter. Criteria: Invitae Variant Classification Sherloc (09022015). Collection method: clinical testing. Allele origin: germline.
Comment: This sequence change replaces isoleucine, which is neutral and non-polar, with phenylalanine, which is neutral and non-polar, at codon 432 of the MKKS protein (p.Ile432Phe). This variant is present in population databases (rs374485160, gnomAD 0.009%). This variant has not been reported in the literature in individuals affected with MKKS-related conditions. ClinVar contains an entry for this variant (Variation ID: 964478). Algorithms developed to predict the effect of missense changes on protein structure and function output the following: SIFT: "Tolerated"; PolyPhen-2: "Benign"; Align-GVGD: "Class C0". The phenylalanine amino acid residue is found in multiple mammalian species, which suggests that this missense change does not adversely affect protein function. In summary, the available evidence is currently insufficient to determine the role of this variant in disease. Therefore, it has been classified as a Variant of Uncertain Significance.

Blueprint Genetics
Classification: Uncertain significance. Last evaluated: 2022-01-26. Review status: criteria provided, single submitter. Criteria: ACMG Guidelines, 2015. Collection method: clinical testing. Allele origin: germline.

PreventionGenetics, part of Exact Sciences
Classification: Uncertain significance for MKKS-related condition. Last evaluated: 2024-08-12. Review status: no assertion criteria provided. Collection method: clinical testing. Allele origin: germline. Not counted in ClinVar's aggregate classification.
Comment: The MKKS c.1294A>T variant is predicted to result in the amino acid substitution p.Ile432Phe. This variant has been reported in a patient with Bardet–Biedl syndrome who is also compound heterozygous for two pathogenic truncating variants in the BBS2 gene (Janssen et al. 2011. PubMed ID: 21052717). This variant is reported in 0.0093% of alleles in individuals of European (Non-Finnish) descent in gnomAD. At this time, the clinical significance of this variant is uncertain due to the absence of conclusive functional and genetic evidence.